The following is an entry in ClinVar:

ClinVar aggregate classification (germline): Uncertain significance. Review status: criteria provided, multiple submitters, no conflicts (2 of 4 stars). 3 submissions from 3 submitters: Uncertain significance (3). Last evaluated 2025-03-07.

Conditions:
Inborn genetic diseases. Identifiers: MedGen C0950123, MeSH D030342.
Bethlem myopathy 1A. Also called: Bethlem myopathy 1; MYOPATHY, BENIGN CONGENITAL, WITH CONTRACTURES; Bethlem Muscular Dystrophy. Identifiers: Orphanet 610, MedGen CN029274, MONDO:0024530, OMIM 158810.

Allele frequency attached by ClinVar (database versions not stated): ExAC 0.00001; gnomAD 0.00001; gnomAD exomes 0.00001 and 0.00002; TOPMed 0.00001.
gnomAD v4.1: 26 of 1,613,716 alleles (0.0016%); highest among the groups gnomAD compares: African/African-American, 0.0027%; no homozygotes.

Submissions (3):

Ambry Genetics
Classification: Uncertain significance for Inborn genetic diseases. Last evaluated: 2025-03-07. Review status: criteria provided, single submitter. Criteria: Ambry Variant Classification Scheme 2023. Collection method: clinical testing. Allele origin: germline.

Labcorp Genetics (formerly Invitae), Labcorp
Classification: Uncertain significance for Bethlem myopathy 1A. Last evaluated: 2024-07-27. Review status: criteria provided, single submitter. Criteria: Invitae Variant Classification Sherloc (09022015). Collection method: clinical testing. Allele origin: germline.
Comment: This sequence change replaces lysine, which is basic and polar, with glutamic acid, which is acidic and polar, at codon 239 of the COL6A2 protein (p.Lys239Glu). This variant is present in population databases (rs777108595, gnomAD 0.007%). This variant has not been reported in the literature in individuals affected with COL6A2-related conditions. ClinVar contains an entry for this variant (Variation ID: 595226). An algorithm developed to predict the effect of missense changes on protein structure and function (PolyPhen-2) suggests that this variant is likely to be disruptive. In summary, the available evidence is currently insufficient to determine the role of this variant in disease. Therefore, it has been classified as a Variant of Uncertain Significance.

Eurofins Ntd Llc (ga)
Classification: Uncertain significance. Last evaluated: 2017-12-05. Review status: criteria provided, single submitter. Criteria: EGL Classification Definitions 2015. Collection method: clinical testing. Allele origin: germline. Observed: 1 variant allele, 1 heterozygote.

NM_001849.4(COL6A2):c.715A>G (p.Lys239Glu)

Gene: COL6A2 (collagen type VI alpha 2 chain; plus strand). Cytogenetic location: 21q22.3.
Variant type: single nucleotide variant.
Coding change: c.715A>G on transcript NM_001849.4 (MANE Select); coding-DNA position 715, A replaced by G.
Protein change: p.Lys239Glu; replaces lysine 239 with glutamic acid.
Molecular consequence: missense variant.
Genome position (GRCh38, 1-based): chr21:46,112,804, A>G. VCF-style: chr21-46112804-A-G. GRCh37 (hg19) VCF-style: chr21-47532718-A-G.
Other names: c.715A>G, p.Lys239Glu (NM_058174.3, NM_058175.3); c.715A>G (NM_001849.3); short protein forms K239E.
Identifiers: ClinVar variation 595226 (VCV000595226.10), dbSNP rs777108595, ClinGen allele CA10071414.
Genomic context (GRCh38, chr21:46,112,804, plus strand): 5'-GGTGCAGCCGCCCCAGGTCTCGAGGCACACGGCTAACCAGCATGTCTGTCTTTTCTGCAG[A>G]AACACGAAGCCTACGGAGAGGTGAGTGGCGCTTCCCTTCCTGCCAGTGCTGGCCGGCAGC-3'
Protein context (NP_001840.3, residues 229-249): DTINRIIKVM[Lys239Glu]HEAYGECYKV